The following is an entry in ClinVar:

ClinVar aggregate classification (germline): Conflicting classifications of pathogenicity. Review status: criteria provided, conflicting classifications (1 of 4 stars). 3 submissions from 3 submitters: Uncertain significance (1); Benign (2). Last evaluated 2022-09-01.

Conditions:
Hereditary cancer-predisposing syndrome. Also called: Tumor predisposition; Neoplastic Syndromes, Hereditary; Hereditary neoplastic syndrome; Hereditary Cancer Syndrome. Identifiers: Orphanet 140162, MedGen C0027672, MeSH D009386, MONDO:0015356.
Melanoma, cutaneous malignant, susceptibility to, 3. Also called: Cutaneous malignant melanoma 3. Identifiers: Orphanet 618, MedGen C1836892, MONDO:0012183, OMIM 609048.

Allele frequency attached by ClinVar (database versions not stated): 1000 Genomes Project 30x 0.00031; gnomAD exomes 0.00082; TOPMed 0.00087; gnomAD 0.00092 and 0.00095.

Submissions (3):

CeGaT Center for Human Genetics Tuebingen
Classification: Benign. Last evaluated: 2022-09-01. Review status: criteria provided, single submitter. Criteria: CeGaT Center For Human Genetics Tuebingen Variant Classification Criteria Version 2. Collection method: clinical testing. Allele origin: germline. Affected: yes. Observed: 1 variant allele.
Comment: CDK4: BS1, BS2

Sema4
Classification: Benign for Hereditary cancer-predisposing syndrome. Last evaluated: 2021-05-19. Review status: criteria provided, single submitter. Criteria: Sema4 Curation Guidelines. Collection method: curation. Allele origin: germline.

Illumina Laboratory Services, Illumina
Classification: Uncertain significance for Melanoma, cutaneous malignant, susceptibility to, 3. Last evaluated: 2018-01-13. Review status: criteria provided, single submitter. Criteria: ICSL Variant Classification Criteria 13 December 2019. Collection method: clinical testing. Allele origin: germline.

NM_000075.4(CDK4):c.-123T>G

Gene: CDK4 (cyclin dependent kinase 4; minus strand). Cytogenetic location: 12q14.1.
Variant type: single nucleotide variant.
Coding change: c.-123T>G on transcript NM_000075.4 (MANE Select); 123 bases upstream of the start codon, T replaced by G.
Molecular consequence: 5 prime UTR variant.
Genome position (GRCh38, 1-based): chr12:57,752,278, A>C on the plus strand (T>G on the coding strand, the complement: CDK4 is on the minus strand). VCF-style: chr12-57752278-A-C. GRCh37 (hg19) VCF-style: chr12-58146061-A-C.
Identifiers: ClinVar variation 309985 (VCV000309985.30), dbSNP rs759319348, ClinGen allele CA10633369.